The following is an entry in ClinVar:

NM_001014.5(RPS10):c.322+5G>C

Genes: RPS10 (ribosomal protein S10; minus strand), RPS10-NUDT3 (RPS10-NUDT3 readthrough; minus strand). Cytogenetic location: 6p21.31.
Variant type: single nucleotide variant.
Coding change: c.322+5G>C on transcript NM_001014.5 (MANE Select); 5 bases into the intron after coding-DNA position 322, G replaced by C.
Molecular consequence: intron variant.
Genome position (GRCh38, 1-based): chr6:34,424,664, C>G on the plus strand (G>C on the coding strand, the complement: RPS10 is on the minus strand). VCF-style: chr6-34424664-C-G. GRCh37 (hg19) VCF-style: chr6-34392441-C-G.
Other names: c.322+5G>C (NM_001202470.3, NM_001204091.2, NM_001203245.3).
Identifiers: ClinVar variation 3667912 (VCV003667912.2).
Genomic context (GRCh38, chr6:34,424,664, plus strand): 5'-CTTTTGTCCCTTACACAAAAGAAACTATCTTCAAATAGCTGAAGGGATTTGTGTGGGAAC[C>G]ATACCTTTAGGCCGAGGCCTGCCAGTCTCTGGACGGCTACGGCGTAGGGTGGCAGGCACA-3'

ClinVar aggregate classification (germline): Uncertain significance (1 of 4 stars; one submission).

Conditions:
Diamond-Blackfan anemia. Also called: Blackfan Diamond syndrome; Aregenerative anemia chronic congenital; Red cell aplasia, pure hereditary; Congenital hypoplastic anemia; Aase syndrome. Identifiers: Orphanet 124, MedGen C1260899, MeSH D029503, MONDO:0015253, HP:0004810.

Submission:

Labcorp Genetics (formerly Invitae), Labcorp
Classification: Uncertain significance for Diamond-Blackfan anemia. Last evaluated: 2024-10-28. Review status: criteria provided, single submitter. Criteria: Invitae Variant Classification Sherloc (09022015). Collection method: clinical testing. Allele origin: germline.
Comment: This sequence change falls in intron 3 of the RPS10 gene. It does not directly change the encoded amino acid sequence of the RPS10 protein. It affects a nucleotide within the consensus splice site. This variant is present in population databases (rs770275224, gnomAD 0.005%). This variant has not been reported in the literature in individuals affected with RPS10-related conditions. Variants that disrupt the consensus splice site are a relatively common cause of aberrant splicing (PMID: 17576681, 9536098). Algorithms developed to predict the effect of sequence changes on RNA splicing suggest that this variant is not likely to affect RNA splicing. In summary, the available evidence is currently insufficient to determine the role of this variant in disease. Therefore, it has been classified as a Variant of Uncertain Significance.

Literature cited by the submitters: PubMed 17576681; PubMed 9536098.